The following is an entry in ClinVar:

ClinVar aggregate classification (germline): Uncertain significance. Review status: criteria provided, single submitter (1 of 4 stars). 2 submissions from 2 submitters: Uncertain significance (1). 1 of the submissions does not count toward it. Last evaluated 2025-11-10.

Conditions:
Hereditary cancer-predisposing syndrome. Also called: Tumor predisposition; Hereditary neoplastic syndrome; Hereditary Cancer Syndrome; Neoplastic Syndromes, Hereditary. Identifiers: Orphanet 140162, MedGen C0027672, MeSH D009386, MONDO:0015356.
Familial adenomatous polyposis 1 (FAP1). Also called: POLYPOSIS, ADENOMATOUS INTESTINAL; FAMILIAL ADENOMATOUS POLYPOSIS 1, ATTENUATED. Identifiers: MedGen C2713442, MONDO:0021056, OMIM 175100. Disease mechanism: loss of function.

Submissions (2):

Ambry Genetics
Classification: Uncertain significance for Hereditary cancer-predisposing syndrome. Last evaluated: 2025-11-10. Review status: criteria provided, single submitter. Criteria: Ambry Variant Classification Scheme 2023. Collection method: clinical testing. Allele origin: germline.
Comment: The p.S2093Y variant (also known as c.6278C>A), located in coding exon 15 of the APC gene, results from a C to A substitution at nucleotide position 6278. The serine at codon 2093 is replaced by tyrosine, an amino acid with dissimilar properties. This amino acid position is conserved. In addition, in silico predictors for this gene do not accurately predict pathogenicity. Based on the available evidence, the clinical significance of this variant remains unclear.

Department of Pathology and Laboratory Medicine, Sinai Health System
Classification: Uncertain significance for Familial adenomatous polyposis 1. Review status: no assertion criteria provided. Collection method: clinical testing. Allele origin: unknown. Affected: yes. Study: The Canadian Open Genetics Repository (COGR). Not counted in ClinVar's aggregate classification.
Comment: The APC p.Ser2093Tyr variant was not identified in the literature nor was it identified in the dbSNP, ClinVar, Clinvitae, Genesight-COGR, UMD-LSDB, Insight Colon Cancer Gene Variant Database, Zhejiang Colon Cancer Database, the 1000 Genomes Project, the NHLBI GO Exome Sequencing Project or the Exome Aggregation Consortium (August 8th 2016) control databases. The variant was identified in Cosmic (1x in carcinoma of upper aerodigestive tract). The p.Ser2093 residue is conserved across mammals and other organisms, and computational analyses (PolyPhen-2, SIFT, AlignGVGD, BLOSUM, MutationTaster) suggest that the Tyr variant may impact the protein; however, this information is not predictive enough to assume pathogenicity. The variant occurs outside of the splicing consensus sequence and 1 of 5 in silico or computational prediction software programs (SpliceSiteFinder, MaxEntScan, NNSPLICE, GeneSplicer, HumanSpliceFinder) predict a greater than 10% difference in splicing; this is not very predictive of pathogenicity. In summary, based on the above information the clinical significance of this variant cannot be determined with certainty at this time. This variant is classified as a variant of uncertain significance.

NM_000038.6(APC):c.6278C>A (p.Ser2093Tyr)

Gene: APC (APC regulator of Wnt signaling pathway; plus strand). Cytogenetic location: 5q22.2.
Variant type: single nucleotide variant.
Coding change: c.6278C>A on transcript NM_000038.6 (MANE Select); coding-DNA position 6278, C replaced by A.
Protein change: p.Ser2093Tyr; replaces serine 2093 with tyrosine.
Molecular consequence: missense variant.
Genome position (GRCh38, 1-based): chr5:112,841,872, C>A. VCF-style: chr5-112841872-C-A. GRCh37 (hg19) VCF-style: chr5-112177569-C-A.
Other names: c.6278C>A, p.Ser2093Tyr (NM_001127510.3, NM_001354895.2); c.6224C>A, p.Ser2075Tyr (NM_001127511.3); c.6332C>A, p.Ser2111Tyr (NM_001354896.2); c.6308C>A, p.Ser2103Tyr (NM_001354897.2); c.6203C>A, p.Ser2068Tyr (NM_001354898.2); c.6194C>A, p.Ser2065Tyr (NM_001354899.2); c.6155C>A, p.Ser2052Tyr (NM_001354900.2); c.6101C>A, p.Ser2034Tyr (NM_001354901.2); and 6 more; short protein forms S1810Y, S1933Y, S1967Y, S1992Y, S2002Y, S2034Y, S2052Y, S2065Y.
Identifiers: ClinVar variation 1049161 (VCV001049161.2), dbSNP rs879254172, ClinGen allele CA16035077.
Genomic context (GRCh38, chr5:112,841,872, plus strand): 5'-GTGAAGATCTGACACTTGATTTGAAAGATATACAGAGACCAGATTCAGAACATGGTCTAT[C>A]CCCTGATTCAGAAAATTTTGATTGGAAAGCTATTCAGGAAGGTGCAAATTCCATAGTAAG-3'
Protein context (NP_000029.2, residues 2083-2103): IQRPDSEHGL[Ser2093Tyr]PDSENFDWKA